The following is an entry in ClinVar:

ClinVar aggregate classification (germline): Pathogenic (1 of 4 stars; one submission).

Conditions:
Bifunctional peroxisomal enzyme deficiency (DBIF). Also called: PBFE DEFICIENCY; D-bifunctional protein deficiency; DBP DEFICIENCY. Identifiers: Orphanet 300, MedGen C0342870, MONDO:0009855, OMIM 261515. Disease mechanism: loss of function.
Perrault syndrome. Also called: Gonadal dysgenesis with auditory dysfunction, autosomal recessive inheritance. Identifiers: Orphanet 2855, MedGen C0685838, MONDO:0017312.

Submission:

Labcorp Genetics (formerly Invitae), Labcorp
Classification: Pathogenic for Perrault syndrome; Bifunctional peroxisomal enzyme deficiency. Last evaluated: 2023-09-27. Review status: criteria provided, single submitter. Criteria: Invitae Variant Classification Sherloc (09022015). Collection method: clinical testing. Allele origin: unknown.
Comment: For these reasons, this variant has been classified as Pathogenic. This variant disrupts a region of the HSD17B4 protein in which other variant(s) (p.Asn98Ser) have been determined to be pathogenic (PMID: 27790638). This suggests that this is a clinically significant region of the protein, and that variants that disrupt it are likely to be disease-causing. This variant has not been reported in the literature in individuals affected with HSD17B4-related conditions. This variant is a gross deletion of the genomic region encompassing exon(s) 3-8 of the HSD17B4 gene. This variant would be expected to be in-frame, preserving the integrity of the reading frame.

Literature cited by the submitters: PubMed 27790638.

NC_000005.9:g.(?_118809583)_(118814736_?)del

Gene: HSD17B4 (hydroxysteroid 17-beta dehydrogenase 4; plus strand). Cytogenetic location: 5q23.1.
Variant type: Deletion.
Identifiers: ClinVar variation 3246322 (VCV003246322.1).